The following is an entry in ClinVar:

NM_015512.5(DNAH1):c.2431G>A (p.Asp811Asn)

Gene: DNAH1 (dynein axonemal heavy chain 1; plus strand). Cytogenetic location: 3p21.1.
Variant type: single nucleotide variant.
Coding change: c.2431G>A on transcript NM_015512.5 (MANE Select); coding-DNA position 2431, G replaced by A.
Protein change: p.Asp811Asn; replaces aspartic acid 811 with asparagine.
Molecular consequence: missense variant.
Genome position (GRCh38, 1-based): chr3:52,349,325, G>A. VCF-style: chr3-52349325-G-A. GRCh37 (hg19) VCF-style: chr3-52383341-G-A.
Other names: short protein forms D811N.
Identifiers: ClinVar variation 1403558 (VCV001403558.4), dbSNP rs772838797, ClinGen allele CA2433252.

ClinVar aggregate classification (germline): Uncertain significance (1 of 4 stars; one submission).

Conditions:
Spermatogenic failure 18. Identifiers: MedGen C4539783, MONDO:0054615, OMIM 617576.
Ciliary dyskinesia, primary, 37 (CILD37). Also called: CILIARY DYSKINESIA, PRIMARY, 37, WITH OR WITHOUT SITUS INVERSUS. Identifiers: MedGen C4539798, MONDO:0033204, OMIM 617577.

Allele frequency attached by ClinVar (database versions not stated): gnomAD exomes 0.00002 and 0.00003; TOPMed 0.00002; gnomAD 0.00003; ExAC 0.00005.
gnomAD v4.1: 31 of 1,613,842 alleles (0.0019%); highest among the groups gnomAD compares: Admixed American, 0.02%; no homozygotes.

Submission:

Labcorp Genetics (formerly Invitae), Labcorp
Classification: Uncertain significance for Ciliary dyskinesia, primary, 37; Spermatogenic failure 18. Last evaluated: 2022-11-15. Review status: criteria provided, single submitter. Criteria: Invitae Variant Classification Sherloc (09022015). Collection method: clinical testing. Allele origin: germline.
Comment: In summary, the available evidence is currently insufficient to determine the role of this variant in disease. Therefore, it has been classified as a Variant of Uncertain Significance. Advanced modeling of protein sequence and biophysical properties (such as structural, functional, and spatial information, amino acid conservation, physicochemical variation, residue mobility, and thermodynamic stability) performed at Invitae indicates that this missense variant is not expected to disrupt DNAH1 protein function. ClinVar contains an entry for this variant (Variation ID: 1403558). This variant has not been reported in the literature in individuals affected with DNAH1-related conditions. This variant is present in population databases (rs772838797, gnomAD 0.02%). This sequence change replaces aspartic acid, which is acidic and polar, with asparagine, which is neutral and polar, at codon 811 of the DNAH1 protein (p.Asp811Asn).